The following is an entry in ClinVar:

ClinVar aggregate classification (germline): Pathogenic (1 of 4 stars; one submission).

Conditions:
STAT3 gain of function. Identifiers: MedGen C4288261.
Hyper-IgE recurrent infection syndrome 1, autosomal dominant. Also called: JOB SYNDROME; STAT3 Hyper IgE Syndrome; Job's Syndrome; Hyper-IgE recurrent infection syndrome 1; HYPER-IgE SYNDROME 1, AUTOSOMAL DOMINANT, WITH RECURRENT INFECTIONS. Identifiers: Orphanet 2314, MedGen C2936739, MONDO:0007818, OMIM 147060.

Submission:

Labcorp Genetics (formerly Invitae), Labcorp
Classification: Pathogenic for STAT3 gain of function; Hyper-IgE recurrent infection syndrome 1, autosomal dominant. Last evaluated: 2024-07-04. Review status: criteria provided, single submitter. Criteria: Invitae Variant Classification Sherloc (09022015). Collection method: clinical testing. Allele origin: germline.
Comment: This sequence change replaces threonine, which is neutral and polar, with isoleucine, which is neutral and non-polar, at codon 714 of the STAT3 protein (p.Thr714Ile). This variant is not present in population databases (gnomAD no frequency). This missense change has been observed in individuals with Hyper IgE syndrome (PMID: 22084479, 25543043, 28197791; Invitae). ClinVar contains an entry for this variant (Variation ID: 1005984). Advanced modeling of protein sequence and biophysical properties (such as structural, functional, and spatial information, amino acid conservation, physicochemical variation, residue mobility, and thermodynamic stability) performed at Invitae indicates that this missense variant is not expected to disrupt STAT3 protein function with a negative predictive value of 80%. This variant disrupts the p.Thr714 amino acid residue in STAT3. Other variant(s) that disrupt this residue have been observed in individuals with STAT3-related conditions (PMID: 20159255; Invitae), which suggests that this may be a clinically significant amino acid residue. For these reasons, this variant has been classified as Pathogenic.

Literature cited by the submitters: PubMed 22084479; PubMed 25543043; PubMed 28197791; PubMed 20159255.

NM_139276.3(STAT3):c.2141C>T (p.Thr714Ile)

Gene: STAT3 (signal transducer and activator of transcription 3; minus strand). Cytogenetic location: 17q21.2.
Variant type: single nucleotide variant.
Coding change: c.2141C>T on transcript NM_139276.3 (MANE Select); coding-DNA position 2141, C replaced by T.
Protein change: p.Thr714Ile; replaces threonine 714 with isoleucine.
Molecular consequence: missense variant. On other transcripts: intron variant (1).
Genome position (GRCh38, 1-based): chr17:42,317,185, G>A on the plus strand (C>T on the coding strand, the complement: STAT3 is on the minus strand). VCF-style: chr17-42317185-G-A. GRCh37 (hg19) VCF-style: chr17-40469203-G-A.
Other names: c.2141C>T, p.Thr714Ile (NM_001369512.1, NM_001369513.1, NM_001369517.1 and 3 more transcripts); c.2138C>T, p.Thr713Ile (NM_001369514.1, NM_001369516.1, NM_001369519.1 and 2 more transcripts); c.2057C>T, p.Thr686Ile (NM_001384984.1); c.2063C>T, p.Thr688Ile (NM_001384985.1); c.2153C>T, p.Thr718Ile (NM_001384986.1); c.2120C>T, p.Thr707Ile (NM_001384987.1); c.2042C>T, p.Thr681Ile (NM_001384989.1); c.2156C>T, p.Thr719Ile (NM_001384990.1); and 3 more; short protein forms T681I, T686I, T688I, T694I, T705I, T707I, T713I, T714I.
Identifiers: ClinVar variation 1005984 (VCV001005984.9), dbSNP rs2081287195, ClinGen allele CA399580177.